The following is an entry in ClinVar:

NM_000179.3(MSH6):c.735A>G (p.Ile245Met)

Gene: MSH6 (mutS homolog 6; plus strand). Cytogenetic location: 2p16.3.
Variant type: single nucleotide variant.
Coding change: c.735A>G on transcript NM_000179.3 (MANE Select); coding-DNA position 735, A replaced by G.
Protein change: p.Ile245Met; replaces isoleucine 245 with methionine.
Molecular consequence: missense variant. On other transcripts: 5 prime UTR variant (2).
Genome position (GRCh38, 1-based): chr2:47,798,718, A>G. VCF-style: chr2-47798718-A-G. GRCh37 (hg19) VCF-style: chr2-48025857-A-G.
Other names: c.735A>G (NM_000179.2); c.345A>G, p.Ile115Met (NM_001281492.2); c.-172A>G (NM_001281493.2, NM_001281494.2); short protein forms I115M, I245M.
Identifiers: ClinVar variation 1474474 (VCV001474474.8), dbSNP rs2104294265, ClinGen allele CA346740058.

ClinVar aggregate classification (germline): Uncertain significance. Review status: criteria provided, multiple submitters, no conflicts (2 of 4 stars). 3 submissions from 3 submitters: Uncertain significance (3). Last evaluated 2024-11-15.

Conditions:
Hereditary cancer-predisposing syndrome. Also called: Neoplastic Syndromes, Hereditary; Hereditary Cancer Syndrome; Tumor predisposition; Hereditary neoplastic syndrome. Identifiers: Orphanet 140162, MedGen C0027672, MeSH D009386, MONDO:0015356.
Hereditary nonpolyposis colorectal neoplasms. Identifiers: MedGen C0009405, MeSH D003123.

Submissions (3):

Ambry Genetics
Classification: Uncertain significance for Hereditary cancer-predisposing syndrome. Last evaluated: 2024-11-15. Review status: criteria provided, single submitter. Criteria: Ambry Variant Classification Scheme 2023. Collection method: clinical testing. Allele origin: germline.
Comment: The p.I245M variant (also known as c.735A>G), located in coding exon 4 of the MSH6 gene, results from an A to G substitution at nucleotide position 735. The isoleucine at codon 245 is replaced by methionine, an amino acid with highly similar properties. This amino acid position is conserved. In addition, this alteration is predicted to be tolerated by in silico analysis. Based on the available evidence, the clinical significance of this variant remains unclear.

Women's Health and Genetics/Laboratory Corporation of America, LabCorp
Classification: Uncertain significance. Last evaluated: 2023-03-20. Review status: criteria provided, single submitter. Criteria: LabCorp Variant Classification Summary - May 2015. Collection method: clinical testing. Allele origin: germline.

Labcorp Genetics (formerly Invitae), Labcorp
Classification: Uncertain significance for Hereditary nonpolyposis colorectal neoplasms. Last evaluated: 2021-08-12. Review status: criteria provided, single submitter. Criteria: Invitae Variant Classification Sherloc (09022015). Collection method: clinical testing. Allele origin: germline.
Comment: This variant is not present in population databases (ExAC no frequency). In summary, the available evidence is currently insufficient to determine the role of this variant in disease. Therefore, it has been classified as a Variant of Uncertain Significance. Advanced modeling of protein sequence and biophysical properties (such as structural, functional, and spatial information, amino acid conservation, physicochemical variation, residue mobility, and thermodynamic stability) performed at Invitae indicates that this missense variant is not expected to disrupt MSH6 protein function. This variant has not been reported in the literature in individuals affected with MSH6-related conditions. This sequence change replaces isoleucine with methionine at codon 245 of the MSH6 protein (p.Ile245Met). The isoleucine residue is weakly conserved and there is a small physicochemical difference between isoleucine and methionine.